The following is an entry in ClinVar:

ClinVar aggregate classification (germline): Benign. Review status: criteria provided, multiple submitters, no conflicts (2 of 4 stars). 4 submissions from 4 submitters: Benign (3). 1 of the submissions does not count toward it. Last evaluated 2026-01-28.

Conditions:
Primary hyperoxaluria, type I (HP1). Also called: GLYCOLIC ACIDURIA; HEPATIC AGT DEFICIENCY; OXALOSIS I; Primary hyperoxaluria type 1. Identifiers: Orphanet 416, Orphanet 93598, MedGen C0268164, MONDO:0009823, OMIM 259900. Disease mechanism: loss of function.

Allele frequency attached by ClinVar (database versions not stated): gnomAD exomes 0.00037 and 0.00092; ExAC 0.00124; gnomAD 0.00394 and 0.00356; ESP Exome Variant Server 0.00469; 1000 Genomes Project 30x 0.00328; 1000 Genomes Project 0.00359; TOPMed 0.00402.
gnomAD v4.1: 1,104 of 1,612,930 alleles (0.068%); highest among the groups gnomAD compares: African/African-American, 1.3%; 4 homozygotes.

Submissions (4):

Labcorp Genetics (formerly Invitae), Labcorp
Classification: Benign. Last evaluated: 2026-01-28. Review status: criteria provided, single submitter. Criteria: Invitae Variant Classification Sherloc (09022015). Collection method: clinical testing. Allele origin: germline.

Illumina Laboratory Services, Illumina
Classification: Benign for Primary hyperoxaluria, type I. Last evaluated: 2017-04-28. Review status: criteria provided, single submitter. Criteria: ICSL Variant Classification Criteria 13 December 2019. Collection method: clinical testing. Allele origin: germline.
Comment: This variant was observed as part of a predisposition screen in an ostensibly healthy population. A literature search was performed for the gene, cDNA change, and amino acid change (where applicable). No publications were found based on this search. Allele frequency data from public databases was too high to be consistent with this variant causing disease. Therefore, this variant is classified as benign.

PreventionGenetics, part of Exact Sciences
Classification: Benign. Review status: criteria provided, single submitter. Criteria: ACMG Guidelines, 2015. Collection method: clinical testing. Allele origin: germline.

Clinical Biochemistry Laboratory, Health Services Laboratory
Classification: Uncertain significance for Primary hyperoxaluria, type I. Last evaluated: 2014-11-27. Review status: no assertion criteria provided. Collection method: in vitro. Allele origin: germline. Affected: yes. Not counted in ClinVar's aggregate classification.

Literature cited by the submitters: PubMed 12559847 (cited by Clinical Biochemistry Laboratory, Health Services Laboratory).

NM_000030.3(AGXT):c.976G>A (p.Val326Ile)

Gene: AGXT (alanine--glyoxylate aminotransferase; plus strand). Cytogenetic location: 2q37.3.
Variant type: single nucleotide variant.
Coding change: c.976G>A on transcript NM_000030.3 (MANE Select); coding-DNA position 976, G replaced by A.
Protein change: p.Val326Ile; replaces valine 326 with isoleucine.
Molecular consequence: missense variant.
Genome position (GRCh38, 1-based): chr2:240,878,055, G>A. VCF-style: chr2-240878055-G-A. GRCh37 (hg19) VCF-style: chr2-241817472-G-A.
Other names: short protein forms V326I.
Identifiers: ClinVar variation 204058 (VCV000204058.17), dbSNP rs115057148, ClinGen allele CA275602.